The following is an entry in ClinVar:

NM_002474.3(MYH11):c.4904C>G (p.Ser1635Cys)

Genes: NDE1 (nudE neurodevelopment protein 1; plus strand), MYH11 (myosin heavy chain 11; minus strand). Cytogenetic location: 16p13.11.
Variant type: single nucleotide variant.
Coding change: c.4904C>G on transcript NM_002474.3 (MANE Select); coding-DNA position 4904, C replaced by G.
Protein change: p.Ser1635Cys; replaces serine 1635 with cysteine.
Molecular consequence: missense variant. On other transcripts: intron variant (2).
Genome position (GRCh38, 1-based): chr16:15,720,200, G>C on the plus strand (C>G on the coding strand, the complement: MYH11 is on the minus strand). VCF-style: chr16-15720200-G-C. GRCh37 (hg19) VCF-style: chr16-15814057-G-C.
Other names: c.4925C>G, p.Ser1642Cys (NM_001040113.2, NM_001040114.2); c.4904C>G, p.Ser1635Cys (NM_022844.3); c.948-3991G>C (NM_001143979.2, NM_017668.3); short protein forms S1635C, S1642C.
Identifiers: ClinVar variation 925025 (VCV000925025.8), dbSNP rs772007259, ClinGen allele CA7921514.

ClinVar aggregate classification (germline): Uncertain significance. Review status: criteria provided, multiple submitters, no conflicts (2 of 4 stars). 3 submissions from 3 submitters: Uncertain significance (3). Last evaluated 2024-03-07.

Conditions:
Familial thoracic aortic aneurysm and aortic dissection (TAAD). Also called: Thoracic aortic aneurysms and dissections. Identifiers: Orphanet 91387, MedGen C4707243, MONDO:0019625.
Aortic aneurysm, familial thoracic 4 (AAT4). Also called: AORTIC ANEURYSM/AORTIC DISSECTION AND PATENT DUCTUS ARTERIOSUS. Identifiers: MedGen C1851504, MONDO:0007568, OMIM 132900.

Allele frequency attached by ClinVar (database versions not stated): TOPMed below 0.00001; gnomAD exomes 0.00001 and 0.00002; ExAC 0.00002.
gnomAD v4.1: 9 of 1,614,136 alleles (0.00056%); highest among the groups gnomAD compares: East Asian, 0.016%; no homozygotes.

Submissions (3):

Color Diagnostics, LLC DBA Color Health
Classification: Uncertain significance for Familial thoracic aortic aneurysm and aortic dissection. Last evaluated: 2024-03-07. Review status: criteria provided, single submitter. Criteria: ACMG Guidelines, 2015. Collection method: clinical testing. Allele origin: germline.
Comment: This missense variant replaces serine with cysteine at codon 1642 of the MYH11 protein. Computational prediction suggests that this variant may not impact protein structure and function (internally defined REVEL score threshold <= 0.5, PMID: 27666373). To our knowledge, functional studies have not been reported for this variant. This variant has not been reported in individuals affected with cardiovascular disorders in the literature. This variant has been identified in 2/251458 chromosomes in the general population by the Genome Aggregation Database (gnomAD). The available evidence is insufficient to determine the role of this variant in disease conclusively. Therefore, this variant is classified as a Variant of Uncertain Significance.

Victorian Clinical Genetics Services, Murdoch Childrens Research Institute
Classification: Uncertain significance for Aortic aneurysm, familial thoracic 4. Last evaluated: 2023-07-17. Review status: criteria provided, single submitter. Criteria: ACMG Guidelines, 2015. Collection method: clinical testing. Allele origin: germline. Affected: yes.
Comment: Based on the classification scheme VCGS_Germline_v1.3.4, this variant is classified as VUS-3B. Following criteria are met: 0102 - Loss of function is a known mechanism of disease in this gene and is associated with megacystis-microcolon-intestinal hypoperistalsis syndrome 2 (MMIHS; MIM#619351). The disease mechanism for chronic intestinal pseudo-obstruction (CIPO), also known as visceral myopathy 2 (MIM#619350), and aortic aneurysm, familial thoracic 4 (AAFT; MIM#132900) is unclear, however loss of function and dominant negative have been suggested, respectively (PMID: 31944481). (I) 0108 - This gene is associated with both recessive and dominant disease. MMIHS is an autosomal recessive form of disease caused by both missense variants and those resulting in a premature termination codon. AAFT is autosomal dominant and has been reported in patients with splice, missense and inframe deletion variants. CIPO is autosomal dominant and has only been reported in patients with protein elongation variants exclusive to isoform SM2 (PMIDs: 31389005, 31944481). (I) 0112 - The aortic aneurysm associated with this gene has incomplete penetrance (PMIDs: 17666408, 22968129). (I) 0200 - Variant is predicted to result in a missense amino acid change from serine to cysteine. (I) 0251 - This variant is heterozygous. (I) 0304 - Variant is present in gnomAD (v2) <0.01 (2 heterozygotes, 0 homozygotes). (SP) 0502 - Missense variant with conflicting in silico predictions and uninformative conservation. (I) 0600 - Variant is located in the annotated myosin tail 1 domain (DECIPHER). (I) 0710 - Another missense variant comparable to the one identified in this case has inconclusive previous evidence for pathogenicity. The p.(Ser1635Thr) variant has been reported in one individual with fusiform intracranial aneurysm and classified as a VUS (PMID: 31538843). (I) 0809 - Previous evidence of pathogenicity for this variant is inconclusive. This variant has been classified as a VUS by one clinical diagnostic laboratory (ClinVar). (I) 0905 - No published segregation evidence has been identified for this variant. (I) 1007 - No published functional evidence has been identified for this variant. (I) 1208 - Inheritance information for this variant is not currently available in this individual. (I) Legend: (SP) - Supporting pathogenic, (I) - Information, (SB) - Supporting benign

Ambry Genetics
Classification: Uncertain significance for Familial thoracic aortic aneurysm and aortic dissection. Last evaluated: 2023-05-27. Review status: criteria provided, single submitter. Criteria: Ambry Variant Classification Scheme 2023. Collection method: clinical testing. Allele origin: germline.
Comment: The p.S1635C variant (also known as c.4904C>G), located in coding exon 33 of the MYH11 gene, results from a C to G substitution at nucleotide position 4904. The serine at codon 1635 is replaced by cysteine, an amino acid with dissimilar properties. This amino acid position is conserved. In addition, this alteration is predicted to be tolerated by in silico analysis. Since supporting evidence is limited at this time, the clinical significance of this alteration remains unclear.

Literature cited by the submitters: PubMed 17666408 (cited by Victorian Clinical Genetics Services, Murdoch Childrens Research Institute); PubMed 22968129 (cited by Victorian Clinical Genetics Services, Murdoch Childrens Research Institute); PubMed 31389005 (cited by Victorian Clinical Genetics Services, Murdoch Childrens Research Institute); PubMed 31538843 (cited by Victorian Clinical Genetics Services, Murdoch Childrens Research Institute); PubMed 31944481 (cited by Victorian Clinical Genetics Services, Murdoch Childrens Research Institute).